The following is an entry in ClinVar:

ClinVar aggregate classification (germline): Conflicting classifications of pathogenicity. Review status: criteria provided, conflicting classifications (1 of 4 stars). 9 submissions from 8 submitters: Uncertain significance (6); Benign (1). 2 of the submissions do not count toward it. Last evaluated 2026-01-05.

Conditions:
NOTCH1-related disorder. Also called: NOTCH1-related disorders; NOTCH1-related condition.
Adams-Oliver syndrome 5 (AOS5). Identifiers: Orphanet 974, MedGen C4014970, MONDO:0014459, OMIM 616028.
Familial thoracic aortic aneurysm and aortic dissection (TAAD). Also called: Thoracic aortic aneurysms and dissections. Identifiers: Orphanet 91387, MedGen C4707243, MONDO:0019625.
Aortic valve disease 1 (AOVD1). Identifiers: MedGen C3887892, MONDO:0024523, OMIM 109730.

Allele frequency attached by ClinVar (database versions not stated): gnomAD exomes below 0.00001 and 0.00003; ExAC 0.00001; TOPMed 0.00002; gnomAD 0.00003.
gnomAD v4.1: 52 of 1,592,040 alleles (0.0033%); highest among the groups gnomAD compares: South Asian, 0.0066%; no homozygotes.

Submissions (9):

Labcorp Genetics (formerly Invitae), Labcorp
Classification: Benign for Adams-Oliver syndrome 5. Last evaluated: 2026-01-05. Review status: criteria provided, single submitter. Criteria: Invitae Variant Classification Sherloc (09022015). Collection method: clinical testing. Allele origin: germline.

PreventionGenetics, part of Exact Sciences
Classification: Uncertain significance for NOTCH1-related condition. Last evaluated: 2024-12-28. Review status: criteria provided, single submitter. Criteria: ACMG Guidelines, 2015. Collection method: clinical testing. Allele origin: germline.
Comment: The NOTCH1 c.4078G>A variant is predicted to result in the amino acid substitution p.Gly1360Ser. This variant has been reported in a control of a congenital heart defect cohort study (Table S3, Blue et al. 2014. PubMed ID: 25500235). This variant is reported in 0.0090% of alleles in individuals of African descent in gnomAD. At this time, the clinical significance of this variant is uncertain due to the absence of conclusive functional and genetic evidence.

CeGaT Center for Human Genetics Tuebingen
Classification: Uncertain significance. Last evaluated: 2022-10-01. Review status: criteria provided, single submitter. Criteria: CeGaT Center For Human Genetics Tuebingen Variant Classification Criteria Version 2. Collection method: clinical testing. Allele origin: germline. Affected: yes. Observed: 1 variant allele.
Comment: NOTCH1: PP2

Genome-Nilou Lab
Classification: Uncertain significance for Adams-Oliver syndrome 5. Last evaluated: 2022-03-15. Review status: criteria provided, single submitter. Criteria: ACMG Guidelines, 2015. Collection method: clinical testing. Allele origin: germline. Affected: no.

Genome-Nilou Lab
Classification: Uncertain significance for Aortic valve disease 1. Last evaluated: 2022-03-15. Review status: criteria provided, single submitter. Criteria: ACMG Guidelines, 2015. Collection method: clinical testing. Allele origin: germline. Affected: no.

Blueprint Genetics
Classification: Uncertain significance. Last evaluated: 2021-01-20. Review status: criteria provided, single submitter. Criteria: ACMG Guidelines, 2015. Collection method: clinical testing. Allele origin: germline.

Ambry Genetics
Classification: Uncertain significance for Familial thoracic aortic aneurysm and aortic dissection. Last evaluated: 2015-02-23. Review status: criteria provided, single submitter. Criteria: Ambry Variant Classification Scheme 2023. Collection method: clinical testing. Allele origin: germline.
Comment: The p.G1360S variant (also known as c.4078G>A), located in coding exon 25 of the NOTCH1 gene, results from a G to A substitution at nucleotide position 4078. The glycine at codon 1360 is replaced by serine, an amino acid with similar properties. This variant was not reported in population based cohorts in the following databases: Database of Single Nucleotide Polymorphisms (dbSNP), NHLBI Exome Sequencing Project (ESP), and 1000 Genomes Project. In the ESP, this variant was not observed in 5298 samples (10596 alleles) with coverage at this position. This amino acid position is highly conserved in available vertebrate species. In addition, this alteration is predicted to be deleterious by in silico analysis. Since supporting evidence is limited at this time, the clinical significance of this variant remains unclear.

Clinical Genetics DNA and cytogenetics Diagnostics Lab, Erasmus MC, Erasmus Medical Center
Classification: Uncertain significance. Review status: no assertion criteria provided. Collection method: clinical testing. Allele origin: germline. Affected: yes. Study: VKGL Data-share Consensus. Not counted in ClinVar's aggregate classification.

Joint Genome Diagnostic Labs from Nijmegen and Maastricht, Radboudumc and MUMC+
Classification: Uncertain significance. Review status: no assertion criteria provided. Collection method: clinical testing. Allele origin: germline. Affected: yes. Study: VKGL Data-share Consensus. Not counted in ClinVar's aggregate classification.

Literature cited by the submitters: PubMed 25500235 (cited by Ambry Genetics).

NM_017617.5(NOTCH1):c.4078G>A (p.Gly1360Ser)

Gene: NOTCH1 (notch receptor 1; minus strand). Cytogenetic location: 9q34.3.
Variant type: single nucleotide variant.
Coding change: c.4078G>A on transcript NM_017617.5 (MANE Select); coding-DNA position 4078, G replaced by A.
Protein change: p.Gly1360Ser; replaces glycine 1360 with serine.
Molecular consequence: missense variant.
Genome position (GRCh38, 1-based): chr9:136,505,818, C>T on the plus strand (G>A on the coding strand, the complement: NOTCH1 is on the minus strand). VCF-style: chr9-136505818-C-T. GRCh37 (hg19) VCF-style: chr9-139400270-C-T.
Other names: c.4078G>A, p.Gly1360Ser (LRG_1122t1); c.4078G>A (NM_017617.4); short protein forms G1360S.
Identifiers: ClinVar variation 263913 (VCV000263913.40), dbSNP rs769493139, ClinGen allele CA5340693.